The following is an entry in ClinVar:

ClinVar aggregate classification (germline): Benign/Likely benign. Review status: criteria provided, multiple submitters, no conflicts (2 of 4 stars). 2 submissions from 2 submitters: Benign (1); Likely benign (1). Last evaluated 2025-02-11.

Conditions:
Hereditary cancer-predisposing syndrome. Also called: Neoplastic Syndromes, Hereditary; Tumor predisposition; Hereditary Cancer Syndrome; Hereditary neoplastic syndrome. Identifiers: Orphanet 140162, MedGen C0027672, MeSH D009386, MONDO:0015356.
Colorectal cancer, susceptibility to, 12 (CRCS12). Also called: COLORECTAL CANCER, SUSCEPTIBILITY TO, ON CHROMOSOME 12q24. Identifiers: Orphanet 220460, MedGen C3554460, MONDO:0014038, OMIM 615083.

Submissions (2):

Myriad Genetics, Inc.
Classification: Benign for Colorectal cancer, susceptibility to, 12. Last evaluated: 2025-02-11. Review status: criteria provided, single submitter. Criteria: Myriad Autosomal Dominant, Autosomal Recessive and X-Linked Classification Criteria (2023). Collection method: clinical testing. Allele origin: unknown.
Comment: This variant is considered benign. This variant is a silent/synonymous amino acid change and it is not expected to impact splicing.

Ambry Genetics
Classification: Likely benign for Hereditary cancer-predisposing syndrome. Last evaluated: 2017-09-11. Review status: criteria provided, single submitter. Criteria: Ambry Variant Classification Scheme 2023. Collection method: clinical testing. Allele origin: germline.

NM_006231.4(POLE):c.1422C>T (p.Val474=)

Gene: POLE (DNA polymerase epsilon, catalytic subunit; minus strand). Cytogenetic location: 12q24.33.
Variant type: single nucleotide variant.
Coding change: c.1422C>T on transcript NM_006231.4 (MANE Select); coding-DNA position 1422, C replaced by T.
Protein change: p.Val474=; no amino-acid change (valine 474 retained).
Molecular consequence: synonymous variant.
Genome position (GRCh38, 1-based): chr12:132,673,215, G>A on the plus strand (C>T on the coding strand, the complement: POLE is on the minus strand). VCF-style: chr12-132673215-G-A. GRCh37 (hg19) VCF-style: chr12-133249801-G-A.
Identifiers: ClinVar variation 484595 (VCV000484595.6), dbSNP rs1555228472, ClinGen allele CA482722680.